The following is an entry in ClinVar:

ClinVar aggregate classification (germline): Likely pathogenic (1 of 4 stars; one submission).

Conditions:
Hypotrichosis 6 (HYPT6). Also called: HYPOTRICHOSIS, LOCALIZED, AUTOSOMAL RECESSIVE 1; MONILETHRIX-LIKE HYPOTRICHOSIS. Identifiers: Orphanet 55654, MedGen C1842839, MONDO:0011932, OMIM 607903.

Submission:

First Genomix Gene Laboratory, Genetic Diagnostics Department
Classification: Likely pathogenic for Hypotrichosis 6. Last evaluated: 2025-03-19. Review status: criteria provided, single submitter. Criteria: ACMG Guidelines, 2015. Collection method: clinical testing. Allele origin: germline. Inheritance: Autosomal recessive inheritance. Affected: no. Observed: 1 variant allele.

NM_177986.5(DSG4):c.241C>T (p.Gln81Ter)

Genes: DSG1-AS1 (DSG1 antisense RNA 1; minus strand), DSG4 (desmoglein 4; plus strand). Cytogenetic location: 18q12.1.
Variant type: single nucleotide variant.
Coding change: c.241C>T on transcript NM_177986.5 (MANE Select); coding-DNA position 241, C replaced by T.
Protein change: p.Gln81Ter; replaces glutamine 81 with a stop codon.
Molecular consequence: nonsense.
Genome position (GRCh38, 1-based): chr18:31,388,391, C>T. VCF-style: chr18-31388391-C-T. GRCh37 (hg19) VCF-style: chr18-28968354-C-T.
Other names: c.241C>T, p.Gln81Ter (NM_001134453.3); short protein forms Q81*.
Identifiers: ClinVar variation 4845863 (VCV004845863.1).